The following is an entry in ClinVar:

ClinVar aggregate classification (germline): Benign/Likely benign. Review status: criteria provided, multiple submitters, no conflicts (2 of 4 stars). 4 submissions from 4 submitters: Benign (1); Likely benign (3). Last evaluated 2025-06-20.

Submissions (4):

Mayo Clinic Laboratories, Mayo Clinic
Classification: Likely benign. Last evaluated: 2025-06-20. Review status: criteria provided, single submitter. Criteria: ACMG Guidelines, 2015. Collection method: clinical testing. Allele origin: germline. Observed: 1 variant allele.
Comment: BS1, BP4, BP7

Blueprint Genetics
Classification: Likely benign. Last evaluated: 2024-11-27. Review status: criteria provided, single submitter. Criteria: ACMG Guidelines, 2015. Collection method: clinical testing. Allele origin: germline.

Center for Pediatric Genomic Medicine, Children's Mercy Hospital and Clinics
Classification: Likely benign. Last evaluated: 2017-02-08. Review status: criteria provided, single submitter. Criteria: ACMG Guidelines, 2015. Collection method: clinical testing. Allele origin: germline.
ClinVar note: Converted during submission from Likely Benign to Likely benign.

GeneDx
Classification: Benign. Last evaluated: 2015-06-08. Review status: criteria provided, single submitter. Criteria: GeneDx Variant Classification (06012015). Collection method: clinical testing. Allele origin: germline. Affected: yes.
Comment: This variant is considered likely benign or benign based on one or more of the following criteria: it is a conservative change, it occurs at a poorly conserved position in the protein, it is predicted to be benign by multiple in silico algorithms, and/or has population frequency not consistent with disease.

NM_017827.4(SARS2):c.393+149del

Gene: SARS2 (seryl-tRNA synthetase 2, mitochondrial; minus strand). Cytogenetic location: 19q13.2.
Variant type: Deletion.
Coding change: c.393+149del on transcript NM_017827.4 (MANE Select); 149 bases into the intron after coding-DNA position 393, one base deleted (A; older notation c.393+149delA).
Molecular consequence: intron variant.
Genome position (GRCh38, 1-based): chr19:38,922,089, T deleted on the plus strand (A on the coding strand, the reverse complement: SARS2 is on the minus strand); the first of 4 consecutive T bases (chr19:38,922,089-38,922,092); deleting any one gives the same sequence. VCF-style (leftmost placement, unchanged base first): chr19-38922088-GT-G. GRCh37 (hg19) VCF-style: chr19-39412728-GT-G.
Other names: p.?; c.394-11del (NM_001145901.2); c.393+149delA (NM_017827.3).
Identifiers: ClinVar variation 377294 (VCV000377294.5), dbSNP rs375344827, ClinGen allele CA9423212.